The following is an entry in ClinVar:

ClinVar aggregate classification (germline): Uncertain significance. Review status: criteria provided, single submitter (1 of 4 stars). 2 submissions from 2 submitters: Uncertain significance (1). 1 of the submissions does not count toward it. Last evaluated 2024-05-30.

Conditions:
NCOA1-related disorder. Also called: NCOA1-related condition.

gnomAD v4.1: 14 of 1,614,032 alleles (0.00087%); highest among the groups gnomAD compares: Admixed American, 0.0083%; no homozygotes.

Submissions (2):

Ambry Genetics
Classification: Uncertain significance. Last evaluated: 2024-05-30. Review status: criteria provided, single submitter. Criteria: Ambry Variant Classification Scheme 2023. Collection method: clinical testing. Allele origin: germline.

PreventionGenetics, part of Exact Sciences
Classification: Uncertain significance for NCOA1-related condition. Last evaluated: 2024-05-15. Review status: no assertion criteria provided. Collection method: clinical testing. Allele origin: germline. Not counted in ClinVar's aggregate classification.
Comment: The NCOA1 c.650G>A variant is predicted to result in the amino acid substitution p.Arg217His. To our knowledge, this variant has not been reported in the literature or in a large population database, indicating this variant is rare. At this time, the clinical significance of this variant is uncertain due to the absence of conclusive functional and genetic evidence.

NM_003743.5(NCOA1):c.650G>A (p.Arg217His)

Gene: NCOA1 (nuclear receptor coactivator 1; plus strand). Cytogenetic location: 2p23.3.
Variant type: single nucleotide variant.
Coding change: c.650G>A on transcript NM_003743.5 (MANE Select); coding-DNA position 650, G replaced by A.
Protein change: p.Arg217His; replaces arginine 217 with histidine.
Molecular consequence: missense variant.
Genome position (GRCh38, 1-based): chr2:24,691,598, G>A. VCF-style: chr2-24691598-G-A. GRCh37 (hg19) VCF-style: chr2-24914467-G-A.
Other names: c.650G>A, p.Arg217His (NM_001362950.1, NM_001362952.1, NM_001362954.1 and 3 more transcripts); short protein forms R217H.
Identifiers: ClinVar variation 3298819 (VCV003298819.2).
Genomic context (GRCh38, chr2:24,691,598, plus strand): 5'-GCAGGATGCTAATTCACCCTCCAGATGAGCCAGGGACCGAGAACCAAGAAGCTTGCCAGC[G>A]TTATGAAGTAATGCAGTGTTTCACTGTGTCACAGCCAAAATCAATTCAAGAGGATGGAGA-3'
Protein context (NP_003734.3, residues 207-227): PGTENQEACQ[Arg217His]YEVMQCFTVS